The following is an entry in ClinVar:

NM_000275.3(OCA2):c.1007C>T (p.Ala336Val)

Gene: OCA2 (OCA2 melanosomal transmembrane protein; minus strand). Cytogenetic location: 15q13.1.
Variant type: single nucleotide variant.
Coding change: c.1007C>T on transcript NM_000275.3 (MANE Select); coding-DNA position 1007, C replaced by T.
Protein change: p.Ala336Val; replaces alanine 336 with valine.
Molecular consequence: missense variant.
Genome position (GRCh38, 1-based): chr15:28,014,813, G>A on the plus strand (C>T on the coding strand, the complement: OCA2 is on the minus strand). VCF-style: chr15-28014813-G-A. GRCh37 (hg19) VCF-style: chr15-28259959-G-A.
Other names: c.1007C>T, p.Ala336Val (NM_001300984.2); short protein forms A336V.
Identifiers: ClinVar variation 255713 (VCV000255713.17), dbSNP rs34010619, ClinGen allele CA7439265.
Genomic context (GRCh38, chr15:28,014,813, plus strand): 5'-GGGGGAGCAGGTGTGAAAGTTACCTCAAATATGATCAGCGCGTAGACGCCCGCGAGGATG[G>A]CCGTCGCGATGGTCACCTGGGTTTCTACACTTCCGCGGAGGTACTGATGAGCCATCAAAA-3'
Protein context (NP_000266.2, residues 326-346): SVETQVTIAT[Ala336Val]ILAGVYALII

ClinVar aggregate classification (germline): Benign/Likely benign. Review status: criteria provided, multiple submitters, no conflicts (2 of 4 stars). 4 submissions from 4 submitters: Benign (2); Likely benign (2). Last evaluated 2026-01-31.

Conditions:
Tyrosinase-positive oculocutaneous albinism (OCA2). Also called: ALBINISM II; Oculocutaneous albinism type 2; Albinism, oculocutaneous, type II. Identifiers: Orphanet 79432, MedGen C0268495, MONDO:0008746, OMIM 203200.

Allele frequency attached by ClinVar (database versions not stated): gnomAD exomes 0.00063 and 0.00180; ExAC 0.00218; gnomAD 0.00700 and 0.00755; TOPMed 0.00770; ESP Exome Variant Server 0.00807; 1000 Genomes Project 0.00839; 1000 Genomes Project 30x 0.00984.
gnomAD v4.1: 2,032 of 1,613,984 alleles (0.13%); highest among the groups gnomAD compares: African/African-American, 2.4%; 26 homozygotes.

Submissions (4):

Labcorp Genetics (formerly Invitae), Labcorp
Classification: Benign. Last evaluated: 2026-01-31. Review status: criteria provided, single submitter. Criteria: Invitae Variant Classification Sherloc (09022015). Collection method: clinical testing. Allele origin: germline.

Illumina Laboratory Services, Illumina
Classification: Benign for Tyrosinase-positive oculocutaneous albinism. Last evaluated: 2017-04-27. Review status: criteria provided, single submitter. Criteria: ICSL Variant Classification Criteria 13 December 2019. Collection method: clinical testing. Allele origin: germline.
Comment: This variant was observed as part of a predisposition screen in an ostensibly healthy population. A literature search was performed for the gene, cDNA change, and amino acid change (where applicable). Publications were found based on this search. The evidence from the literature, in combination with allele frequency data from public databases where available, was sufficient to rule this variant out of causing disease. Therefore, this variant is classified as benign.

Breakthrough Genomics
Classification: Likely benign. Review status: criteria provided, single submitter. Criteria: ACMG Guidelines, 2015. Collection method: not provided. Allele origin: germline. Inheritance: Autosomal recessive inheritance. Affected: yes.

PreventionGenetics, part of Exact Sciences
Classification: Likely benign. Review status: criteria provided, single submitter. Criteria: ACMG Guidelines, 2015. Collection method: clinical testing. Allele origin: germline.

Literature cited by the submitters: PubMed 23824587 (cited by Illumina Laboratory Services, Illumina).